The following is an entry in ClinVar:

NM_001754.5(RUNX1):c.660C>A (p.Ser220=)

Gene: RUNX1 (RUNX family transcription factor 1; minus strand). Cytogenetic location: 21q22.12.
Variant type: single nucleotide variant.
Coding change: c.660C>A on transcript NM_001754.5 (MANE Select); coding-DNA position 660, C replaced by A.
Protein change: p.Ser220=; no amino-acid change (serine 220 retained).
Molecular consequence: synonymous variant.
Genome position (GRCh38, 1-based): chr21:34,834,555, G>T on the plus strand (C>A on the coding strand, the complement: RUNX1 is on the minus strand). VCF-style: chr21-34834555-G-T. GRCh37 (hg19) VCF-style: chr21-36206852-G-T.
Other names: NM_001754.5(RUNX1):c.660C>A; p.Ser220=; c.579C>A, p.Ser193= (NM_001001890.3, NM_001122607.2).
Identifiers: ClinVar variation 1692647 (VCV001692647.4), dbSNP rs2146076625, ClinGen allele CA512318673.
Genomic context (GRCh38, chr21:34,834,555, plus strand): 5'-TGGGCTGACCCTCATGGCTGTGCGCCGCAGCTGCTCCAGTTCACTGAGCCGCTCGGAAAA[G>T]GACAAGCTCCCGGGCTTGGTCTGATCATCTAGTTTCTGCCGATGTCCTATTGTGGGGAGC-3'
Protein context (NP_001745.2, residues 210-230): LDDQTKPGSL[Ser220=]FSERLSELEQ

ClinVar aggregate classification (germline): Likely benign. Review status: reviewed by expert panel (3 of 4 stars). 2 submissions from 2 submitters: Likely benign (1). 1 of the submissions does not count toward it. Last evaluated 2026-04-29.

Conditions:
Hereditary thrombocytopenia and hematologic cancer predisposition syndrome. Identifiers: Orphanet 71290, MedGen CN281654, MONDO:0011071.
Hereditary cancer-predisposing syndrome. Also called: Neoplastic Syndromes, Hereditary; Tumor predisposition; Hereditary Cancer Syndrome; Hereditary neoplastic syndrome. Identifiers: Orphanet 140162, MedGen C0027672, MeSH D009386, MONDO:0015356.

Submissions (2):

ClinGen Myeloid Malignancy Variant Curation Expert Panel
Classification: Likely benign for Hereditary thrombocytopenia and hematologic cancer predisposition syndrome. Last evaluated: 2026-04-29. Review status: reviewed by expert panel. Criteria: ClinGen MyeloMalig ACMG Specifications V3.1. Collection method: curation. Allele origin: germline. Inheritance: Autosomal dominant inheritance.
Comment: NM_001754.5(RUNX1):c.660C>A (p.Ser220=) is a synonymous variant which has a SpliceAI score ≤ 0.20 (0.00) (BP4, BP7). This variant is completely absent from all population databases with at least 20x coverage for RUNX1 (PM2_supporting). In summary, this variant meets criteria to be classified as likely benign. ACMG/AMP criteria applied, as specified by the Myeloid Malignancy Variant Curation Expert Panel for RUNX1: BP4, BP7, PM2_supporting.

Sema4
Classification: Uncertain significance for Hereditary cancer-predisposing syndrome. Last evaluated: 2021-06-03. Review status: criteria provided, single submitter. Criteria: Sema4 Curation Guidelines. Collection method: curation. Allele origin: germline. Not counted in ClinVar's aggregate classification.
Comment: The RUNX1 c.660C>A (p.S220=) variant has not been reported in the literature to our knowledge. It was not observed in the large and broad cohorts of the Genome Aggregation Database (PMID: 32461654). The variant has not been reported in ClinVar. The nucleotide position is conserved and in silico tools suggest the impact of the variant on splicing is inconclusive, though these predictions have not been confirmed by functional studies. The evidence is insufficient to meet ACMG/AMP criteria for classifying the variant as benign or pathogenic. Thus, the clinical significance of this variant is currently uncertain.